The following is an entry in ClinVar:

ClinVar aggregate classification (germline): Pathogenic (1 of 4 stars; one submission).

Conditions:
Aniridia 1 (AN1). Identifiers: Orphanet 250923, MedGen C0344542, MONDO:0024507, OMIM 106210.
Irido-corneo-trabecular dysgenesis (ASGD5). Also called: ANTERIOR SEGMENT DYSGENESIS 5. Identifiers: Orphanet 708, MedGen C0344559, MONDO:0011414, OMIM 604229, HP:0000659.

Submission:

Labcorp Genetics (formerly Invitae), Labcorp
Classification: Pathogenic for Aniridia 1; Irido-corneo-trabecular dysgenesis. Last evaluated: 2022-05-20. Review status: criteria provided, single submitter. Criteria: Invitae Variant Classification Sherloc (09022015). Collection method: clinical testing. Allele origin: germline.
Comment: This sequence change creates a premature translational stop signal (p.Arg26Glyfs*33) in the PAX6 gene. It is expected to result in an absent or disrupted protein product. Loss-of-function variants in PAX6 are known to be pathogenic (PMID: 12634864). This variant is not present in population databases (gnomAD no frequency). This variant has not been reported in the literature in individuals affected with PAX6-related conditions. For these reasons, this variant has been classified as Pathogenic.

Literature cited by the submitters: PubMed 12634864.

NM_001368894.2(PAX6):c.66_75dup (p.Arg26fs)

Gene: PAX6 (paired box 6; minus strand). Cytogenetic location: 11p13.
Variant type: Duplication.
Coding change: c.66_75dup on transcript NM_001368894.2 (MANE Select); coding-DNA positions 66 to 75, 10 bases duplicated (GGACTCCACC; older notation c.66_75dupGGACTCCACC).
Protein change: p.Arg26fs; shifts the reading frame from arginine 26.
Molecular consequence: frameshift variant. On other transcripts: 5 prime UTR variant (12), non-coding transcript variant (2), intron variant (2).
Genome position (GRCh38, 1-based): chr11:31,802,770-31,802,779, GGTGGAGTCC duplicated on the plus strand (GGACTCCACC on the coding strand, the reverse complement: PAX6 is on the minus strand); duplicating any 10 consecutive bases within chr11:31,802,770-31,802,781 gives the same sequence; the c. name uses the placement nearest the transcript's 3' end. VCF-style (leftmost placement, unchanged base first): chr11-31802769-G-GGGTGGAGTCC. GRCh37 (hg19) VCF-style: chr11-31824317-G-GGGTGGAGTCC.
Other names: c.66_75dup, p.Arg26fs (NM_000280.6, NM_001127612.3, NM_001258462.3 and 30 more transcripts); c.-716_-707dup (NM_001310160.2, NM_001368905.2); c.-385_-376dup (NM_001310161.3, NM_001368900.2, NM_001368903.2 and 2 more transcripts); c.-343_-334dup (NM_001368899.2, NM_001368901.2, NM_001368906.2 and 1 more transcripts); c.-674_-665dup (NM_001368902.2); c.309_318dup, p.Arg107fs (NM_001368910.2); c.69_78dup, p.Arg27fs (NM_001368911.2); c.-267-1003_-267-994dup (NM_001368909.2, NM_001368904.2); short protein forms R26fs, R107fs, R27fs.
Identifiers: ClinVar variation 1997047 (VCV001997047.4), dbSNP rs1592564013, ClinGen allele CA2580084055.